The following is an entry in ClinVar:

NM_001292063.2(OTOG):c.8239T>G (p.Cys2747Gly)

Gene: OTOG (otogelin; plus strand). Cytogenetic location: 11p15.1.
Variant type: single nucleotide variant.
Coding change: c.8239T>G on transcript NM_001292063.2 (MANE Select); coding-DNA position 8239, T replaced by G.
Protein change: p.Cys2747Gly; replaces cysteine 2747 with glycine.
Molecular consequence: missense variant.
Genome position (GRCh38, 1-based): chr11:17,641,895, T>G. VCF-style: chr11-17641895-T-G. GRCh37 (hg19) VCF-style: chr11-17663442-T-G.
Other names: c.8275T>G, p.Cys2759Gly (NM_001277269.2); short protein forms C2747G, C2759G.
Identifiers: ClinVar variation 5007846 (VCV005007846.2).

ClinVar aggregate classification (germline): Uncertain significance (1 of 4 stars; one submission).

Conditions:
Autosomal recessive nonsyndromic hearing loss 18B. Also called: Deafness, autosomal recessive 18b. Identifiers: Orphanet 90636, MedGen C3554163, MONDO:0013985, OMIM 614945.

Submission:

Juno Genomics, Hangzhou Juno Genomics, Inc
Classification: Uncertain significance for Autosomal recessive nonsyndromic hearing loss 18B. Review status: criteria provided, single submitter. Criteria: ACMG Guidelines, 2015. Collection method: clinical testing. Allele origin: germline.
Comment: Absent from controls (or at extremely low frequency if recessive) in Genome Aggregation Database.;Multiple lines of computational evidence support a deleterious effect on the gene or gene product.